The following is an entry in ClinVar:

NM_000784.4(CYP27A1):c.1103T>A (p.Val368Glu)

Gene: CYP27A1 (cytochrome P450 family 27 subfamily A member 1; plus strand). Cytogenetic location: 2q35.
Variant type: single nucleotide variant.
Coding change: c.1103T>A on transcript NM_000784.4 (MANE Select); coding-DNA position 1103, T replaced by A.
Protein change: p.Val368Glu; replaces valine 368 with glutamic acid.
Molecular consequence: missense variant.
Genome position (GRCh38, 1-based): chr2:218,814,106, T>A. VCF-style: chr2-218814106-T-A. GRCh37 (hg19) VCF-style: chr2-219678829-T-A.
Other names: short protein forms V368E.
Identifiers: ClinVar variation 4008770 (VCV004008770.1).

ClinVar aggregate classification (germline): Uncertain significance (1 of 4 stars; one submission).

Conditions:
Cardiovascular phenotype. Identifiers: MedGen CN230736.

gnomAD v4.1: 3 of 1,614,230 alleles (0.00019%); highest among the groups gnomAD compares: Non-Finnish European, 0.00025%; no homozygotes.

Submission:

Ambry Genetics
Classification: Uncertain significance for Cardiovascular phenotype. Last evaluated: 2025-03-18. Review status: criteria provided, single submitter. Criteria: Ambry Variant Classification Scheme 2023. Collection method: clinical testing. Allele origin: germline.
Comment: The p.V368E variant (also known as c.1103T>A), located in coding exon 6 of the CYP27A1 gene, results from a T to A substitution at nucleotide position 1103. The valine at codon 368 is replaced by glutamic acid, an amino acid with dissimilar properties. This amino acid position is conserved. In addition, this alteration is predicted to be deleterious by in silico analysis. Based on the available evidence, the clinical significance of this variant remains unclear.